The following is an entry in ClinVar:

NM_001111.5(ADAR):c.3568C>G (p.Arg1190Gly)

Gene: ADAR (adenosine deaminase RNA specific; minus strand). Cytogenetic location: 1q21.3.
Variant type: single nucleotide variant.
Coding change: c.3568C>G on transcript NM_001111.5 (MANE Select); coding-DNA position 3568, C replaced by G.
Protein change: p.Arg1190Gly; replaces arginine 1190 with glycine.
Molecular consequence: missense variant.
Genome position (GRCh38, 1-based): chr1:154,584,919, G>C on the plus strand (C>G on the coding strand, the complement: ADAR is on the minus strand). VCF-style: chr1-154584919-G-C. GRCh37 (hg19) VCF-style: chr1-154557395-G-C.
Other names: c.2683C>G, p.Arg895Gly (NM_001025107.3, NM_001193495.2, NM_001365046.1 and 2 more transcripts); c.3595C>G, p.Arg1199Gly (NM_001365045.1); c.2605C>G, p.Arg869Gly (NM_001365049.1); c.3490C>G, p.Arg1164Gly (NM_015840.4); c.3433C>G, p.Arg1145Gly (NM_015841.4); short protein forms R1199G, R895G, R1190G, R869G, R1145G, R1164G.
Identifiers: ClinVar variation 1431675 (VCV001431675.8), dbSNP rs979532140, ClinGen allele CA342634678.

ClinVar aggregate classification (germline): Uncertain significance (1 of 4 stars; one submission).

Conditions:
Aicardi-Goutieres syndrome 6 (AGS6). Identifiers: Orphanet 51, MedGen C3539013, MONDO:0014007, OMIM 615010.
Symmetrical dyschromatosis of extremities (DSH). Also called: RETICULATE ACROPIGMENTATION OF DOHI; DYSCHROMATOSIS SYMMETRICA HEREDITARIA 1; SYMMETRIC DYSCHROMATOSIS OF THE EXTREMITIES; Dyschromatosis symmetrica hereditaria. Identifiers: Orphanet 41, MedGen C0406775, MONDO:0007483, OMIM 127400.

gnomAD v4.1: 1 of 1,614,058 alleles (0.000062%); highest among the groups gnomAD compares: Non-Finnish European, 0.000085%; no homozygotes.

Submission:

Labcorp Genetics (formerly Invitae), Labcorp
Classification: Uncertain significance for Aicardi-Goutieres syndrome 6; Symmetrical dyschromatosis of extremities. Last evaluated: 2021-06-05. Review status: criteria provided, single submitter. Criteria: Invitae Variant Classification Sherloc (09022015). Collection method: clinical testing. Allele origin: germline.
Comment: This sequence change replaces arginine with glycine at codon 1190 of the ADAR protein (p.Arg1190Gly). The arginine residue is moderately conserved and there is a moderate physicochemical difference between arginine and glycine. This variant is not present in population databases (ExAC no frequency). This variant has not been reported in the literature in individuals with ADAR-related conditions. Algorithms developed to predict the effect of missense changes on protein structure and function (SIFT, PolyPhen-2, Align-GVGD) all suggest that this variant is likely to be tolerated, but these predictions have not been confirmed by published functional studies and their clinical significance is uncertain. Algorithms developed to predict the effect of sequence changes on RNA splicing suggest that this variant may create or strengthen a splice site, but this prediction has not been confirmed by published transcriptional studies. In summary, the available evidence is currently insufficient to determine the role of this variant in disease. Therefore, it has been classified as a Variant of Uncertain Significance.